The following is an entry in ClinVar:

NM_016169.4(SUFU):c.597G>A (p.Gln199=)

Gene: SUFU (SUFU negative regulator of hedgehog signaling; plus strand). Cytogenetic location: 10q24.32.
Variant type: single nucleotide variant.
Coding change: c.597G>A on transcript NM_016169.4 (MANE Select); coding-DNA position 597, G replaced by A.
Protein change: p.Gln199=; no amino-acid change (glutamine 199 retained).
Molecular consequence: synonymous variant.
Genome position (GRCh38, 1-based): chr10:102,592,724, G>A. VCF-style: chr10-102592724-G-A. GRCh37 (hg19) VCF-style: chr10-104352481-G-A.
Other names: c.597G>A, p.Gln199= (NM_001178133.2).
Identifiers: ClinVar variation 406393 (VCV000406393.10), dbSNP rs1060501112, ClinGen allele CA16612822.

ClinVar aggregate classification (germline): Uncertain significance (1 of 4 stars; one submission).

Conditions:
Medulloblastoma (MDB). Also called: Medulloblastoma, somatic; MEDULLOBLASTOMA PREDISPOSITION SYNDROME. Identifiers: Orphanet 616, MedGen C0025149, MeSH D008527, MONDO:0007959, OMIM 155255, HP:0002885.
Gorlin syndrome. Also called: Nevoid Basal Cell Carcinoma Syndrome; Basal cell nevus syndrome. Identifiers: Orphanet 377, MedGen C0004779, MONDO:0007187.

Submission:

Labcorp Genetics (formerly Invitae), Labcorp
Classification: Uncertain significance for Gorlin syndrome; Medulloblastoma. Last evaluated: 2018-03-31. Review status: criteria provided, single submitter. Criteria: Invitae Variant Classification Sherloc (09022015). Collection method: clinical testing. Allele origin: germline.
Comment: This sequence change affects codon 199 of the SUFU mRNA. It is a 'silent' change, meaning that it does not change the encoded amino acid sequence of the SUFU protein. This variant also falls at the last nucleotide of exon 4 of the SUFU coding sequence, which is part of the consensus splice site for this exon. Nucleotide substitutions within the consensus splice site are relatively common causes of aberrant splicing (PMID: 17576681, 9536098). This variant is not present in population databases (ExAC no frequency). This variant has not been reported in the literature in individuals with SUFU-related disease. ClinVar contains an entry for this variant (Variation ID: 406393). Algorithms developed to predict the effect of sequence changes on RNA splicing suggest that this variant may disrupt the consensus splice site, but this prediction has not been confirmed by published transcriptional studies. In summary, the available evidence is currently insufficient to determine the role of this variant in disease. Therefore, it has been classified as a Variant of Uncertain Significance.

Literature cited by the submitters: PubMed 17576681; PubMed 9536098.